The following is an entry in ClinVar:

ClinVar aggregate classification (germline): Pathogenic/Likely pathogenic. Review status: criteria provided, multiple submitters, no conflicts (2 of 4 stars). 2 submissions from 2 submitters: Pathogenic (1); Likely pathogenic (1). Last evaluated 2024-03-05.

Conditions:
Pontocerebellar hypoplasia type 1B. Also called: EXOSC3 Pontocerebellar Hypoplasia. Identifiers: Orphanet 2254, MedGen C3553449, MONDO:0013853, OMIM 614678.

Allele frequency attached by ClinVar (database versions not stated): gnomAD exomes below 0.00001.

Submissions (2):

Fulgent Genetics
Classification: Likely pathogenic for Pontocerebellar hypoplasia type 1B. Last evaluated: 2024-03-05. Review status: criteria provided, single submitter. Criteria: ACMG Guidelines, 2015. Collection method: clinical testing. Allele origin: germline.

Labcorp Genetics (formerly Invitae), Labcorp
Classification: Pathogenic for Pontocerebellar hypoplasia type 1B. Last evaluated: 2023-05-02. Review status: criteria provided, single submitter. Criteria: Invitae Variant Classification Sherloc (09022015). Collection method: clinical testing. Allele origin: germline.
Comment: This variant has not been reported in the literature in individuals affected with EXOSC3-related conditions. For these reasons, this variant has been classified as Pathogenic. This variant is not present in population databases (gnomAD no frequency). This sequence change creates a premature translational stop signal (p.Tyr100Valfs*25) in the EXOSC3 gene. It is expected to result in an absent or disrupted protein product. Loss-of-function variants in EXOSC3 are known to be pathogenic (PMID: 22544365, 23284067, 24524299).

Literature cited by the submitters: PubMed 22544365 (cited by Labcorp Genetics (formerly Invitae), Labcorp); PubMed 23284067 (cited by Labcorp Genetics (formerly Invitae), Labcorp); PubMed 24524299 (cited by Labcorp Genetics (formerly Invitae), Labcorp).

NM_016042.4(EXOSC3):c.297_298insG (p.Tyr100fs)

Genes: EXOSC3 (exosome component 3; minus strand), LOC130001814 (ATAC-STARR-seq lymphoblastoid active region 28402; plus strand). Cytogenetic location: 9p13.2.
Variant type: Insertion.
Coding change: c.297_298insG on transcript NM_016042.4 (MANE Select); coding-DNA positions 297 to 298, G inserted.
Protein change: p.Tyr100fs; shifts the reading frame from tyrosine 100.
Molecular consequence: frameshift variant.
Genome position: GRCh38 VCF-style: chr9-37784747-A-AC. GRCh37 (hg19) VCF-style: chr9-37784744-A-AC.
Other names: c.297_298insG, p.Tyr100fs (NM_001002269.2); short protein forms Y100fs.
Identifiers: ClinVar variation 2908421 (VCV002908421.5), dbSNP rs2489890979, ClinGen allele CA2579342149.